The following is an entry in ClinVar:

ClinVar aggregate classification (germline): Uncertain significance. Review status: criteria provided, multiple submitters, no conflicts (2 of 4 stars). 9 submissions from 8 submitters: Uncertain significance (9). Last evaluated 2025-06-10.

Conditions:
Inborn genetic diseases. Identifiers: MedGen C0950123, MeSH D030342.
Autosomal recessive nonsyndromic hearing loss 7. Also called: DEAFNESS, AUTOSOMAL RECESSIVE 11. Identifiers: Orphanet 90636, MedGen C1832978, MONDO:0010967, OMIM 600974.
Autosomal dominant nonsyndromic hearing loss 36. Identifiers: Orphanet 90635, MedGen C1847626, MONDO:0011708, OMIM 606705.

Allele frequency attached by ClinVar (database versions not stated): TOPMed 0.00009; ExAC 0.00010; gnomAD 0.00010 and 0.00011; gnomAD exomes 0.00012 and 0.00026; ESP Exome Variant Server 0.00015.
gnomAD v4.1: 394 of 1,612,994 alleles (0.024%); highest among the groups gnomAD compares: Non-Finnish European, 0.03%; no homozygotes.

Submissions (9):

Ambry Genetics
Classification: Uncertain significance for Inborn genetic diseases. Last evaluated: 2025-06-10. Review status: criteria provided, single submitter. Criteria: Ambry Variant Classification Scheme 2023. Collection method: clinical testing. Allele origin: germline.

CeGaT Center for Human Genetics Tuebingen
Classification: Uncertain significance. Last evaluated: 2024-12-01. Review status: criteria provided, single submitter. Criteria: CeGaT Center For Human Genetics Tuebingen Variant Classification Criteria Version 2. Collection method: clinical testing. Allele origin: germline. Affected: yes. Observed: 1 variant allele.

Blueprint Genetics
Classification: Uncertain significance. Last evaluated: 2024-09-24. Review status: criteria provided, single submitter. Criteria: ACMG Guidelines, 2015. Collection method: clinical testing. Allele origin: germline.

Labcorp Genetics (formerly Invitae), Labcorp
Classification: Uncertain significance. Last evaluated: 2024-01-24. Review status: criteria provided, single submitter. Criteria: Invitae Variant Classification Sherloc (09022015). Collection method: clinical testing. Allele origin: germline.
Comment: This sequence change replaces isoleucine, which is neutral and non-polar, with leucine, which is neutral and non-polar, at codon 49 of the TMC1 protein (p.Ile49Leu). This variant is present in population databases (rs149947445, gnomAD 0.02%). This variant has not been reported in the literature in individuals affected with TMC1-related conditions. ClinVar contains an entry for this variant (Variation ID: 47861). Advanced modeling of protein sequence and biophysical properties (such as structural, functional, and spatial information, amino acid conservation, physicochemical variation, residue mobility, and thermodynamic stability) performed at Invitae indicates that this missense variant is not expected to disrupt TMC1 protein function with a negative predictive value of 95%. In summary, the available evidence is currently insufficient to determine the role of this variant in disease. Therefore, it has been classified as a Variant of Uncertain Significance.

Department of Pathology and Laboratory Medicine, Sinai Health System
Classification: Uncertain significance for Autosomal recessive nonsyndromic hearing loss 7; Autosomal dominant nonsyndromic hearing loss 36. Last evaluated: 2022-01-11. Review status: criteria provided, single submitter. Criteria: ACMG Guidelines, 2015. Collection method: research. Allele origin: germline.

GeneDx
Classification: Uncertain significance. Last evaluated: 2021-12-15. Review status: criteria provided, single submitter. Criteria: GeneDx Variant Classification Process June 2021. Collection method: clinical testing. Allele origin: germline. Affected: yes.
Comment: In silico analysis supports that this missense variant does not alter protein structure/function; Has not been previously published as pathogenic or benign to our knowledge

Illumina Laboratory Services, Illumina
Classification: Uncertain significance for Autosomal dominant nonsyndromic hearing loss 36. Last evaluated: 2018-01-12. Review status: criteria provided, single submitter. Criteria: ICSL Variant Classification Criteria 13 December 2019. Collection method: clinical testing. Allele origin: germline.

Illumina Laboratory Services, Illumina
Classification: Uncertain significance for Autosomal recessive nonsyndromic hearing loss 7. Last evaluated: 2018-01-12. Review status: criteria provided, single submitter. Criteria: ICSL Variant Classification Criteria 13 December 2019. Collection method: clinical testing. Allele origin: germline.

Laboratory for Molecular Medicine, Mass General Brigham Personalized Medicine
Classification: Uncertain significance. Last evaluated: 2016-04-05. Review status: criteria provided, single submitter. Criteria: LMM Criteria. Collection method: clinical testing. Allele origin: germline. Observed: 2 variant alleles.
Comment: In additi on, this variant has been identified in 3/11148 of Latino chromosomes by the Exo me Aggregation Consortium (ExAC; dbSNP rs1499474 45). Although this variant has been seen in the general population, its frequenc y is not high enough to rule out a pathogenic role. Computational prediction too ls and conservation analysis do not provide strong support for or against an imp act to the protein. In summary, the clinical significance of the p.Ile49Leu vari ant is uncertain.

NM_138691.3(TMC1):c.145A>C (p.Ile49Leu)

Gene: TMC1 (transmembrane channel like 1; plus strand). Cytogenetic location: 9q21.13.
Variant type: single nucleotide variant.
Coding change: c.145A>C on transcript NM_138691.3 (MANE Select); coding-DNA position 145, A replaced by C.
Protein change: p.Ile49Leu; replaces isoleucine 49 with leucine.
Molecular consequence: missense variant.
Genome position (GRCh38, 1-based): chr9:72,694,623, A>C. VCF-style: chr9-72694623-A-C. GRCh37 (hg19) VCF-style: chr9-75309539-A-C.
Other names: short protein forms I49L.
Identifiers: ClinVar variation 47861 (VCV000047861.27), dbSNP rs149947445, ClinGen allele CA142057.